The following is an entry in ClinVar:

NM_030632.3(ASXL3):c.6373T>C (p.Tyr2125His)

Gene: ASXL3 (ASXL transcriptional regulator 3; plus strand). Cytogenetic location: 18q12.1.
Variant type: single nucleotide variant.
Coding change: c.6373T>C on transcript NM_030632.3 (MANE Select); coding-DNA position 6373, T replaced by C.
Protein change: p.Tyr2125His; replaces tyrosine 2125 with histidine.
Molecular consequence: missense variant.
Genome position (GRCh38, 1-based): chr18:33,746,221, T>C. VCF-style: chr18-33746221-T-C. GRCh37 (hg19) VCF-style: chr18-31326185-T-C.
Other names: short protein forms Y2125H.
Identifiers: ClinVar variation 3361339 (VCV003361339.1).

ClinVar aggregate classification (germline): Uncertain significance (1 of 4 stars; one submission).

gnomAD v4.1: 2 of 1,613,946 alleles (0.00012%); highest among the groups gnomAD compares: Admixed American, 0.0017%; no homozygotes.

Submission:

GeneDx
Classification: Uncertain significance. Last evaluated: 2023-07-21. Review status: criteria provided, single submitter. Criteria: GeneDx Variant Classification Process June 2021. Collection method: clinical testing. Allele origin: germline. Affected: yes.
Comment: Not observed at significant frequency in large population cohorts (gnomAD); In silico analysis supports that this missense variant does not alter protein structure/function; Has not been previously published as pathogenic or benign to our knowledge